The following is an entry in ClinVar:

ClinVar aggregate classification (germline): Uncertain significance (1 of 4 stars; one submission).

Allele frequency attached by ClinVar (database versions not stated): gnomAD 0.00001; TOPMed 0.00001.
gnomAD v4.1: 2 of 1,612,942 alleles (0.00012%); highest among the groups gnomAD compares: African/African-American, 0.0027%; no homozygotes.

Submission:

Labcorp Genetics (formerly Invitae), Labcorp
Classification: Uncertain significance. Last evaluated: 2023-08-17. Review status: criteria provided, single submitter. Criteria: Invitae Variant Classification Sherloc (09022015). Collection method: clinical testing. Allele origin: germline.
Comment: In summary, the available evidence is currently insufficient to determine the role of this variant in disease. Therefore, it has been classified as a Variant of Uncertain Significance. An algorithm developed to predict the effect of missense changes on protein structure and function (PolyPhen-2) suggests that this variant is likely to be disruptive. ClinVar contains an entry for this variant (Variation ID: 2129380). This variant has not been reported in the literature in individuals affected with LAMC3-related conditions. This variant is not present in population databases (gnomAD no frequency). This sequence change replaces cysteine, which is neutral and slightly polar, with arginine, which is basic and polar, at codon 292 of the LAMC3 protein (p.Cys292Arg).

NM_006059.4(LAMC3):c.874T>C (p.Cys292Arg)

Gene: LAMC3 (laminin subunit gamma 3; plus strand). Cytogenetic location: 9q34.12.
Variant type: single nucleotide variant.
Coding change: c.874T>C on transcript NM_006059.4 (MANE Select); coding-DNA position 874, T replaced by C.
Protein change: p.Cys292Arg; replaces cysteine 292 with arginine.
Molecular consequence: missense variant.
Genome position (GRCh38, 1-based): chr9:131,036,230, T>C. VCF-style: chr9-131036230-T-C. GRCh37 (hg19) VCF-style: chr9-133911617-T-C.
Other names: short protein forms C292R.
Identifiers: ClinVar variation 2129380 (VCV002129380.4), dbSNP rs1274886506, ClinGen allele CA375256553.